The following is an entry in ClinVar:

NM_000023.4(SGCA):c.957-1G>T

Gene: SGCA (sarcoglycan alpha; plus strand). Cytogenetic location: 17q21.33.
Variant type: single nucleotide variant.
Coding change: c.957-1G>T on transcript NM_000023.4 (MANE Select); the canonical splice acceptor site of the intron before coding-DNA position 957, G replaced by T.
Molecular consequence: splice acceptor variant.
Genome position (GRCh38, 1-based): chr17:50,170,639, G>T. VCF-style: chr17-50170639-G-T. GRCh37 (hg19) VCF-style: chr17-48248000-G-T.
Other names: c.585-1G>T (NM_001135697.3).
Identifiers: ClinVar variation 1066710 (VCV001066710.14), dbSNP rs2144502043, ClinGen allele CA400182328.
Genomic context (GRCh38, chr17:50,170,639, plus strand): 5'-CCTGGGGCACCTTGGGGCGAAACCCAGAGCTGGGCTAACCCTCTCCTTCACTTTTCCACA[G>T]GCTGAAGAGAGACCTGGCTACCTCCGAGTGAGTAAAGGAAAGCTGGGGGTGGGGTGGGAG-3'

ClinVar aggregate classification (germline): Pathogenic/Likely pathogenic. Review status: criteria provided, multiple submitters, no conflicts (2 of 4 stars). 4 submissions from 4 submitters: Pathogenic (2); Likely pathogenic (1). 1 of the submissions does not count toward it. Last evaluated 2024-02-09.

Conditions:
Autosomal recessive limb-girdle muscular dystrophy type 2D (LGMDR3). Also called: ADHALINOPATHY, PRIMARY; DUCHENNE-LIKE AUTOSOMAL RECESSIVE MUSCULAR DYSTROPHY, TYPE 2; MUSCULAR DYSTROPHY, LIMB-GIRDLE, AUTOSOMAL RECESSIVE 3. Identifiers: Orphanet 62, MedGen C2936332, MONDO:0011968, OMIM 608099. Disease mechanism: Affects gamma-sarcoglycan and also disrupts the integrity of the entire sarcoglycan complex..

Allele frequency attached by ClinVar (database versions not stated): gnomAD exomes below 0.00001.
gnomAD v4.1: 1 of 1,560,972 alleles (0.000064%); highest among the groups gnomAD compares: Non-Finnish European, 0.000087%; no homozygotes.

Submissions (4):

Fulgent Genetics
Classification: Pathogenic for Autosomal recessive limb-girdle muscular dystrophy type 2D. Last evaluated: 2024-02-09. Review status: criteria provided, single submitter. Criteria: ACMG Guidelines, 2015. Collection method: clinical testing. Allele origin: germline.

Baylor Genetics
Classification: Pathogenic for Autosomal recessive limb-girdle muscular dystrophy type 2D. Last evaluated: 2023-07-26. Review status: criteria provided, single submitter. Criteria: ACMG Guidelines, 2015. Collection method: clinical testing. Allele origin: unknown.

Labcorp Genetics (formerly Invitae), Labcorp
Classification: Likely pathogenic for Autosomal recessive limb-girdle muscular dystrophy type 2D. Last evaluated: 2020-07-21. Review status: criteria provided, single submitter. Criteria: Invitae Variant Classification Sherloc (09022015). Collection method: clinical testing. Allele origin: germline.
Comment: In summary, the currently available evidence indicates that the variant is pathogenic, but additional data are needed to prove that conclusively. Therefore, this variant has been classified as Likely Pathogenic. Donor and acceptor splice site variants typically lead to a loss of protein function (PMID: 16199547), and loss-of-function variants in SGCA are known to be pathogenic (PMID: 9192266). Algorithms developed to predict the effect of sequence changes on RNA splicing suggest that this variant may disrupt the consensus splice site, but this prediction has not been confirmed by published transcriptional studies. This variant has been observed in individual(s) with autosomal recessive muscular dystrophy (PMID: 7663524). This variant is also referred to as AG>AT (-1 exon 8) in the literature. This variant is not present in population databases (ExAC no frequency). This sequence change affects an acceptor splice site in intron 7 of the SGCA gene. It is expected to disrupt RNA splicing and likely results in an absent or disrupted protein product.

Natera, Inc.
Classification: Likely pathogenic for Limb-girdle muscular dystrophy type 2D. Last evaluated: 2020-06-15. Review status: no assertion criteria provided. Collection method: clinical testing. Allele origin: germline. Not counted in ClinVar's aggregate classification.

Literature cited by the submitters: PubMed 16199547 (cited by Labcorp Genetics (formerly Invitae), Labcorp); PubMed 9192266 (cited by Labcorp Genetics (formerly Invitae), Labcorp); PubMed 7663524 (cited by Labcorp Genetics (formerly Invitae), Labcorp).